The following is an entry in ClinVar:

ClinVar aggregate classification (germline): Uncertain significance (1 of 4 stars; one submission).

Allele frequency attached by ClinVar (database versions not stated): 1000 Genomes Project 30x 0.00016; 1000 Genomes Project 0.00020.
gnomAD v4.1: 8 of 1,572,238 alleles (0.00051%); highest among the groups gnomAD compares: African/African-American, 0.0042%; no homozygotes.

Submission:

CeGaT Center for Human Genetics Tuebingen
Classification: Uncertain significance. Last evaluated: 2024-01-01. Review status: criteria provided, single submitter. Criteria: CeGaT Center For Human Genetics Tuebingen Variant Classification Criteria Version 2. Collection method: clinical testing. Allele origin: germline. Affected: yes. Observed: 1 variant allele.
Comment: KCNN2: PP3

NM_021614.4(KCNN2):c.782C>G (p.Pro261Arg)

Gene: KCNN2 (potassium calcium-activated channel subfamily N member 2; plus strand). Cytogenetic location: 5q22.3.
Variant type: single nucleotide variant.
Coding change: c.782C>G on transcript NM_021614.4 (MANE Select); coding-DNA position 782, C replaced by G.
Protein change: p.Pro261Arg; replaces proline 261 with arginine.
Molecular consequence: missense variant. On other transcripts: non-coding transcript variant (1).
Genome position (GRCh38, 1-based): chr5:114,362,921, C>G. VCF-style: chr5-114362921-C-G. GRCh37 (hg19) VCF-style: chr5-113698618-C-G.
Other names: c.980C>G, p.Pro327Arg (NM_001372233.1); short protein forms P261R, P327R.
Identifiers: ClinVar variation 3025823 (VCV003025823.22), dbSNP rs574107960, ClinGen allele CA3372783.